The following is an entry in ClinVar:

ClinVar aggregate classification (germline): Conflicting classifications of pathogenicity. Review status: criteria provided, conflicting classifications (1 of 4 stars). 4 submissions from 4 submitters: Uncertain significance (3); Likely benign (1). Last evaluated 2025-11-10.

Conditions:
Neurofibromatosis, type 1 (NF1). Also called: Neurofibromatosis, type I; Peripheral type neurofibromatosis; VON RECKLINGHAUSEN DISEASE; NEUROFIBROMATOSIS, TYPE I, SOMATIC. Identifiers: Orphanet 636, MedGen C0027831, MONDO:0018975, OMIM 162200. Disease mechanism: loss of function.
Cardiovascular phenotype. Identifiers: MedGen CN230736.
Hereditary cancer-predisposing syndrome. Also called: Neoplastic Syndromes, Hereditary; Tumor predisposition; Hereditary neoplastic syndrome; Hereditary Cancer Syndrome. Identifiers: Orphanet 140162, MedGen C0027672, MeSH D009386, MONDO:0015356.

Allele frequency attached by ClinVar (database versions not stated): gnomAD exomes below 0.00001 and 0.00001; ExAC 0.00001; TOPMed 0.00001.
gnomAD v4.1: 9 of 1,613,982 alleles (0.00056%); highest among the groups gnomAD compares: Middle Eastern, 0.016%; no homozygotes.

Submissions (4):

Dasa
Classification: Uncertain significance. Last evaluated: 2025-11-10. Review status: criteria provided, single submitter. Criteria: DASA Assertion Criteria. Collection method: clinical testing. Allele origin: germline.
Comment: NM_001042492.3(NF1):c.7793T>C (p.Val2598Ala) is a missense variant that results in the substitution of valine with alanine. This variant is rare in population databases. Computational prediction algorithms are consistent with a benign effect. The currently available literature and clinical evidence are not sufficient to establish a definitive association between this variant and the reported condition. Therefore, this variant is classified as a variant of uncertain significance.

Labcorp Genetics (formerly Invitae), Labcorp
Classification: Likely benign for Neurofibromatosis, type 1. Last evaluated: 2025-10-03. Review status: criteria provided, single submitter. Criteria: Invitae Variant Classification Sherloc (09022015). Collection method: clinical testing. Allele origin: germline.

Ambry Genetics
Classification: Uncertain significance for Cardiovascular phenotype; Hereditary cancer-predisposing syndrome. Last evaluated: 2024-08-26. Review status: criteria provided, single submitter. Criteria: Ambry Variant Classification Scheme 2023. Collection method: clinical testing. Allele origin: germline.
Comment: The p.V2577A variant (also known as c.7730T>C), located in coding exon 52 of the NF1 gene, results from a T to C substitution at nucleotide position 7730. The valine at codon 2577 is replaced by alanine, an amino acid with similar properties. This amino acid position is well conserved in available vertebrate species. In addition, this alteration is predicted to be tolerated by in silico analysis. Based on the available evidence, the clinical significance of this variant remains unclear.

Genome-Nilou Lab
Classification: Uncertain significance for Neurofibromatosis, type 1. Last evaluated: 2022-03-15. Review status: criteria provided, single submitter. Criteria: ACMG Guidelines, 2015. Collection method: clinical testing. Allele origin: germline. Affected: no.

NM_001042492.3(NF1):c.7793T>C (p.Val2598Ala)

Gene: NF1 (neurofibromin 1; plus strand). Cytogenetic location: 17q11.2.
Variant type: single nucleotide variant.
Coding change: c.7793T>C on transcript NM_001042492.3 (MANE Select); coding-DNA position 7793, T replaced by C.
Protein change: p.Val2598Ala; replaces valine 2598 with alanine.
Molecular consequence: missense variant.
Genome position (GRCh38, 1-based): chr17:31,357,014, T>C. VCF-style: chr17-31357014-T-C. GRCh37 (hg19) VCF-style: chr17-29684032-T-C.
Other names: c.7730T>C, p.Val2577Ala (NM_000267.4); short protein forms V2598A, V2577A.
Identifiers: ClinVar variation 457854 (VCV000457854.17), dbSNP rs760531845, ClinGen allele CA8487665.